The following is an entry in ClinVar:

NM_033026.6(PCLO):c.3005C>T (p.Ala1002Val)

Gene: PCLO (piccolo presynaptic cytomatrix protein; minus strand). Cytogenetic location: 7q21.11.
Variant type: single nucleotide variant.
Coding change: c.3005C>T on transcript NM_033026.6 (MANE Select); coding-DNA position 3005, C replaced by T.
Protein change: p.Ala1002Val; replaces alanine 1002 with valine.
Molecular consequence: missense variant.
Genome position (GRCh38, 1-based): chr7:83,134,545, G>A on the plus strand (C>T on the coding strand, the complement: PCLO is on the minus strand). VCF-style: chr7-83134545-G-A. GRCh37 (hg19) VCF-style: chr7-82763861-G-A.
Other names: c.3005C>T, p.Ala1002Val (NM_014510.3); short protein forms A1002V.
Identifiers: ClinVar variation 1499991 (VCV001499991.6), dbSNP rs764813086, ClinGen allele CA4321161.

ClinVar aggregate classification (germline): Uncertain significance (1 of 4 stars; one submission).

Allele frequency attached by ClinVar (database versions not stated): gnomAD exomes below 0.00001; ExAC 0.00001.
gnomAD v4.1: 2 of 1,613,854 alleles (0.00012%); highest among the groups gnomAD compares: Non-Finnish European, 0.00017%; no homozygotes.

Submission:

Labcorp Genetics (formerly Invitae), Labcorp
Classification: Uncertain significance. Last evaluated: 2022-01-13. Review status: criteria provided, single submitter. Criteria: Invitae Variant Classification Sherloc (09022015). Collection method: clinical testing. Allele origin: germline.
Comment: Algorithms developed to predict the effect of missense changes on protein structure and function output the following: SIFT: "Tolerated"; PolyPhen-2: "Not Available"; Align-GVGD: "Class C0". The valine amino acid residue is found in multiple mammalian species, which suggests that this missense change does not adversely affect protein function. This variant has not been reported in the literature in individuals affected with PCLO-related conditions. This variant is present in population databases (rs764813086, gnomAD 0.0009%). This sequence change replaces alanine, which is neutral and non-polar, with valine, which is neutral and non-polar, at codon 1002 of the PCLO protein (p.Ala1002Val). In summary, the available evidence is currently insufficient to determine the role of this variant in disease. Therefore, it has been classified as a Variant of Uncertain Significance.